The following is an entry in ClinVar:

NM_001378328.1(CELSR1):c.7313G>A (p.Arg2438Gln)

Gene: CELSR1 (cadherin EGF LAG seven-pass G-type receptor 1; minus strand). Cytogenetic location: 22q13.31.
Variant type: single nucleotide variant.
Coding change: c.7313G>A on transcript NM_001378328.1 (MANE Select); coding-DNA position 7313, G replaced by A.
Protein change: p.Arg2438Gln; replaces arginine 2438 with glutamine.
Molecular consequence: missense variant.
Genome position (GRCh38, 1-based): chr22:46,378,661, C>T on the plus strand (G>A on the coding strand, the complement: CELSR1 is on the minus strand). VCF-style: chr22-46378661-C-T. GRCh37 (hg19) VCF-style: chr22-46774558-C-T.
Other names: c.7313G>A, p.Arg2438Gln (NM_014246.4); short protein forms R2438Q.
Identifiers: ClinVar variation 2672914 (VCV002672914.24), dbSNP rs199688538, ClinGen allele CA10293413.
Genomic context (GRCh38, chr22:46,378,661, plus strand): 5'-GAGATATCCATGAGCACCGCAAAGCTGGCTGTGTGGCTGCACTGGCAGGCGACATGTGTC[C>T]GGTTCCTGGACAGGAGCTCGCAGCCCCGGGCAGACCACCCTCCCGTCCCACCAACGCTGC-3'
Protein context (NP_001365257.1, residues 2428-2448): ARGCELLSRN[Arg2438Gln]THVACQCSHT

ClinVar aggregate classification (germline): Benign/Likely benign. Review status: criteria provided, multiple submitters, no conflicts (2 of 4 stars). 2 submissions from 2 submitters: Benign (1); Likely benign (1). Last evaluated 2023-11-01.

Conditions:
Bladder exstrophy-epispadias-cloacal exstrophy complex. Also called: Exstrophy of the bladder-epispadias; Bladder exstrophy and epispadias complex; Bladder exstrophy-epispadias-cloacal extrophy complex. Identifiers: Orphanet 93930, MedGen C1838703, MONDO:0700039, OMIM 600057.

Allele frequency attached by ClinVar (database versions not stated): ESP Exome Variant Server 0.00015; TOPMed 0.00036; gnomAD exomes 0.00037; 1000 Genomes Project 0.00040; gnomAD 0.00042; 1000 Genomes Project 30x 0.00047; ExAC 0.00048.

Submissions (2):

CeGaT Center for Human Genetics Tuebingen
Classification: Likely benign. Last evaluated: 2023-11-01. Review status: criteria provided, single submitter. Criteria: CeGaT Center For Human Genetics Tuebingen Variant Classification Criteria Version 2. Collection method: clinical testing. Allele origin: germline. Affected: yes. Observed: 1 variant allele.
Comment: CELSR1: BP4, BS1

Obstetrics and Gynecology Department, Johns Hopkins School Of Medicine
Classification: Benign for Bladder exstrophy-epispadias-cloacal exstrophy complex. Review status: criteria provided, single submitter. Criteria: ACMG Guidelines, 2015. Collection method: research. Allele origin: unknown. Affected: yes.